The following is an entry in ClinVar:

ClinVar aggregate classification (germline): Uncertain significance (1 of 4 stars; one submission).

Conditions:
PGM1-congenital disorder of glycosylation. Also called: PHOSPHOGLUCOMUTASE 1 DEFICIENCY; PGM1 DEFICIENCY; GLYCOGEN STORAGE DISEASE XIV; GSD XIV; Congenital disorder of glycosylation type 1t; CDG It. Identifiers: Orphanet 319646, MedGen C2752015, MONDO:0013968, OMIM 614921.

Allele frequency attached by ClinVar (database versions not stated): gnomAD 0.00001.
gnomAD v4.1: 4 of 1,603,346 alleles (0.00025%); highest among the groups gnomAD compares: South Asian, 0.0022%; no homozygotes.

Submission:

Labcorp Genetics (formerly Invitae), Labcorp
Classification: Uncertain significance for PGM1-congenital disorder of glycosylation. Last evaluated: 2022-04-04. Review status: criteria provided, single submitter. Criteria: Invitae Variant Classification Sherloc (09022015). Collection method: clinical testing. Allele origin: germline.
Comment: This sequence change falls in intron 9 of the PGM1 gene. It does not directly change the encoded amino acid sequence of the PGM1 protein. This variant is not present in population databases (gnomAD no frequency). This variant has not been reported in the literature in individuals affected with PGM1-related conditions. Algorithms developed to predict the effect of sequence changes on RNA splicing suggest that this variant may disrupt the consensus splice site. In summary, the available evidence is currently insufficient to determine the role of this variant in disease. Therefore, it has been classified as a Variant of Uncertain Significance.

NM_002633.3(PGM1):c.1464+19G>C

Gene: PGM1 (phosphoglucomutase 1; plus strand). Cytogenetic location: 1p31.3.
Variant type: single nucleotide variant.
Coding change: c.1464+19G>C on transcript NM_002633.3 (MANE Select); 19 bases into the intron after coding-DNA position 1464, G replaced by C.
Molecular consequence: intron variant.
Genome position (GRCh38, 1-based): chr1:63,651,871, G>C. VCF-style: chr1-63651871-G-C. GRCh37 (hg19) VCF-style: chr1-64117542-G-C.
Other names: c.873+19G>C (NM_001172819.2); c.1518+19G>C (NM_001172818.1).
Identifiers: ClinVar variation 2121302 (VCV002121302.4), dbSNP rs978460356, ClinGen allele CA1002500590.